The following is an entry in ClinVar:

ClinVar aggregate classification (germline): Uncertain significance. Review status: criteria provided, multiple submitters, no conflicts (2 of 4 stars). 4 submissions from 4 submitters: Uncertain significance (4). Last evaluated 2025-01-13.

Conditions:
Inborn genetic diseases. Identifiers: MedGen C0950123, MeSH D030342.
Autosomal recessive severe congenital neutropenia due to CSF3R deficiency. Also called: Neutropenia, severe congenital, 7, autosomal recessive. Identifiers: Orphanet 420702, MedGen C4310764, MONDO:0014865, OMIM 617014.

Allele frequency attached by ClinVar (database versions not stated): ExAC 0.00007; TOPMed 0.00008; gnomAD exomes 0.00012; gnomAD 0.00015.
gnomAD v4.1: 69 of 1,614,050 alleles (0.0043%); highest among the groups gnomAD compares: Admixed American, 0.072%; 1 homozygote.

Submissions (4):

Labcorp Genetics (formerly Invitae), Labcorp
Classification: Uncertain significance for Autosomal recessive severe congenital neutropenia due to CSF3R deficiency. Last evaluated: 2025-01-13. Review status: criteria provided, single submitter. Criteria: Invitae Variant Classification Sherloc (09022015). Collection method: clinical testing. Allele origin: germline.
Comment: This sequence change replaces aspartic acid, which is acidic and polar, with asparagine, which is neutral and polar, at codon 732 of the CSF3R protein (p.Asp732Asn). This variant is present in population databases (rs746747614, gnomAD 0.06%). This variant has not been reported in the literature in individuals affected with CSF3R-related conditions. ClinVar contains an entry for this variant (Variation ID: 1041232). Invitae Evidence Modeling of protein sequence and biophysical properties (such as structural, functional, and spatial information, amino acid conservation, physicochemical variation, residue mobility, and thermodynamic stability) indicates that this missense variant is not expected to disrupt CSF3R protein function with a negative predictive value of 80%. In summary, the available evidence is currently insufficient to determine the role of this variant in disease. Therefore, it has been classified as a Variant of Uncertain Significance.

Blueprint Genetics
Classification: Uncertain significance. Last evaluated: 2024-10-14. Review status: criteria provided, single submitter. Criteria: ACMG Guidelines, 2015. Collection method: clinical testing. Allele origin: germline.

Ambry Genetics
Classification: Uncertain significance for Inborn genetic diseases. Last evaluated: 2024-08-20. Review status: criteria provided, single submitter. Criteria: Ambry Variant Classification Scheme 2023. Collection method: clinical testing. Allele origin: germline.

Revvity Omics, Revvity
Classification: Uncertain significance. Last evaluated: 2020-02-12. Review status: criteria provided, single submitter. Criteria: ACMG Guidelines, 2015. Collection method: clinical testing. Allele origin: germline.

NM_000760.4(CSF3R):c.2194G>A (p.Asp732Asn)

Gene: CSF3R (colony stimulating factor 3 receptor; minus strand). Cytogenetic location: 1p34.3.
Variant type: single nucleotide variant.
Coding change: c.2194G>A on transcript NM_000760.4 (MANE Select); coding-DNA position 2194, G replaced by A.
Protein change: p.Asp732Asn; replaces aspartic acid 732 with asparagine.
Molecular consequence: missense variant.
Genome position (GRCh38, 1-based): chr1:36,466,674, C>T on the plus strand (G>A on the coding strand, the complement: CSF3R is on the minus strand). VCF-style: chr1-36466674-C-T. GRCh37 (hg19) VCF-style: chr1-36932275-C-T.
Other names: c.2275G>A, p.Asp759Asn (NM_156039.3); c.2194G>A, p.Asp732Asn (NM_172313.3); c.2194G>A (NM_000760.3); short protein forms D759N, D732N.
Identifiers: ClinVar variation 1041232 (VCV001041232.12), dbSNP rs746747614, ClinGen allele CA768930.